The following is an entry in ClinVar:

NM_004304.5(ALK):c.788G>A (p.Gly263Asp)

Gene: ALK (ALK receptor tyrosine kinase; minus strand). Cytogenetic location: 2p23.2.
Variant type: single nucleotide variant.
Coding change: c.788G>A on transcript NM_004304.5 (MANE Select); coding-DNA position 788, G replaced by A.
Protein change: p.Gly263Asp; replaces glycine 263 with aspartic acid.
Molecular consequence: missense variant.
Genome position (GRCh38, 1-based): chr2:29,695,014, C>T on the plus strand (G>A on the coding strand, the complement: ALK is on the minus strand). VCF-style: chr2-29695014-C-T. GRCh37 (hg19) VCF-style: chr2-29917880-C-T.
Other names: short protein forms G263D.
Identifiers: ClinVar variation 1761044 (VCV001761044.7), dbSNP rs2148290078, ClinGen allele CA346587149.
Genomic context (GRCh38, chr2:29,695,014, plus strand): 5'-AGGTCATGCAGTGGAGGGGAATACTCCAGCTCACAGGGGAAGTCAAAGCTGCACTCCAGA[C>T]CTGCAATAATAGCCAAGGGTCAATGGAAAAAACCATTTCCCAAACGTGACTTTTCAGCCC-3'
Protein context (NP_004295.2, residues 253-273): FPFLSHRSRY[Gly263Asp]LECSFDFPCE

ClinVar aggregate classification (germline): Uncertain significance. Review status: criteria provided, multiple submitters, no conflicts (2 of 4 stars). 4 submissions from 4 submitters: Uncertain significance (4). Last evaluated 2025-07-07.

Conditions:
Neuroblastoma, susceptibility to, 3. Also called: ALK-Related Neuroblastic Tumor Susceptibility. Identifiers: Orphanet 635, MedGen C2751681, MONDO:0013083, OMIM 613014.
Hereditary cancer-predisposing syndrome. Also called: Neoplastic Syndromes, Hereditary; Tumor predisposition; Hereditary neoplastic syndrome; Hereditary Cancer Syndrome. Identifiers: Orphanet 140162, MedGen C0027672, MeSH D009386, MONDO:0015356.

Allele frequency attached by ClinVar (database versions not stated): gnomAD exomes below 0.00001.

Submissions (4):

Labcorp Genetics (formerly Invitae), Labcorp
Classification: Uncertain significance for Neuroblastoma, susceptibility to, 3. Last evaluated: 2025-07-07. Review status: criteria provided, single submitter. Criteria: Invitae Variant Classification Sherloc (09022015). Collection method: clinical testing. Allele origin: germline.
Comment: This sequence change replaces glycine, which is neutral and non-polar, with aspartic acid, which is acidic and polar, at codon 263 of the ALK protein (p.Gly263Asp). This variant is not present in population databases (gnomAD no frequency). This variant has not been reported in the literature in individuals affected with ALK-related conditions. ClinVar contains an entry for this variant (Variation ID: 1761044). An algorithm developed to predict the effect of missense changes on protein structure and function (PolyPhen-2) suggests that this variant is likely to be disruptive. In summary, the available evidence is currently insufficient to determine the role of this variant in disease. Therefore, it has been classified as a Variant of Uncertain Significance.

Baylor Genetics
Classification: Uncertain significance for Neuroblastoma, susceptibility to, 3. Last evaluated: 2024-01-17. Review status: criteria provided, single submitter. Criteria: ACMG Guidelines, 2015. Collection method: clinical testing. Allele origin: unknown.

GeneDx
Classification: Uncertain significance. Last evaluated: 2022-11-28. Review status: criteria provided, single submitter. Criteria: GeneDx Variant Classification Process June 2021. Collection method: clinical testing. Allele origin: germline. Affected: yes.
Comment: Not observed at significant frequency in large population cohorts (gnomAD); In silico analysis supports that this missense variant does not alter protein structure/function; Has not been previously published as pathogenic or benign to our knowledge

Ambry Genetics
Classification: Uncertain significance for Hereditary cancer-predisposing syndrome. Last evaluated: 2022-09-05. Review status: criteria provided, single submitter. Criteria: Ambry Variant Classification Scheme 2023. Collection method: clinical testing. Allele origin: germline.
Comment: The p.G263D variant (also known as c.788G>A) is located in coding exon 3 of the ALK gene. The glycine at codon 263 is replaced by aspartic acid, an amino acid with similar properties. This change occurs in the first base pair of coding exon 3. This amino acid position is conserved. In addition, the in silico prediction for this alteration is inconclusive. Since supporting evidence is limited at this time, the clinical significance of this alteration remains unclear.